The following is an entry in ClinVar:

ClinVar aggregate classification (germline): Pathogenic. Review status: criteria provided, multiple submitters, no conflicts (2 of 4 stars). 4 submissions from 4 submitters: Pathogenic (3). 1 of the submissions does not count toward it. Last evaluated 2024-05-08.

Conditions:
Autosomal recessive nonsyndromic hearing loss 2. Also called: DEAFNESS, AUTOSOMAL RECESSIVE 2; NEUROSENSORY NONSYNDROMIC RECESSIVE DEAFNESS 2. Identifiers: Orphanet 90636, MedGen C1838701, MONDO:0010807, OMIM 600060.
Usher syndrome type 1B (USH1B). Also called: Usher syndrome type IB. Identifiers: MedGen C1848638, MONDO:0700087.

Allele frequency attached by ClinVar (database versions not stated): gnomAD 0.00001.

Submissions (4):

Natera, Inc.
Classification: Pathogenic for Usher syndrome type 1B. Last evaluated: 2024-05-08. Review status: criteria provided, single submitter. Criteria: Natera Variant Classification Schema (03/2026). Collection method: clinical testing. Allele origin: germline.
Comment: The c.6211C>T variant in MYO7A is a nonsense variant predicted to introduce a stop codon at amino acid 2071. This variant is expected to result in nonsense mediated decay, truncation, or a dysfunctional protein product. This variant is rare in the general population with a frequency below the threshold expected for the associated phenotype(s). This variant has been observed in one or more individuals affected with the associated recessive disease, as either homozygous or compound heterozygous with a second variant (PMID: 32747562, 24105371). Given the available evidence, this variant is classified as Pathogenic.

Labcorp Genetics (formerly Invitae), Labcorp
Classification: Pathogenic. Last evaluated: 2023-06-21. Review status: criteria provided, single submitter. Criteria: Invitae Variant Classification Sherloc (09022015). Collection method: clinical testing. Allele origin: germline.
Comment: For these reasons, this variant has been classified as Pathogenic. Algorithms developed to predict the effect of sequence changes on RNA splicing suggest that this variant may disrupt the consensus splice site. ClinVar contains an entry for this variant (Variation ID: 402266). This premature translational stop signal has been observed in individual(s) with autosomal recessive nonsyndromic deafness (PMID: 24105371). This variant is present in population databases (no rsID available, gnomAD 0.003%). This sequence change creates a premature translational stop signal (p.Gln2071*) in the MYO7A gene. It is expected to result in an absent or disrupted protein product. Loss-of-function variants in MYO7A are known to be pathogenic (PMID: 8900236, 25404053).

King Laboratory, University of Washington
Classification: Pathogenic for Autosomal recessive nonsyndromic hearing loss 2. Last evaluated: 2020-08-01. Review status: criteria provided, single submitter. Criteria: Abu Rayyan A et al. (Proc Natl Acad Sci U S A 2020). Collection method: research. Allele origin: germline. Affected: yes.
Comment: MYO7A c.6211C>T, p.Q2071* is homozygous in 3 Palestinian children from 3 different families with severe to profound pre-lingual hearing loss (Abu Rayyan 2020). The variant is absent from 1300 Palestinian controls and absent from gnomAD v2.1.1.

Hereditary Research Laboratory, Bethlehem University
Classification: Pathogenic for Autosomal recessive nonsyndromic hearing loss 2. Last evaluated: 2016-06-04. Review status: no assertion criteria provided. Collection method: research. Allele origin: germline. Affected: yes. Not counted in ClinVar's aggregate classification.

Literature cited by the submitters: PubMed 32747562 (cited by Natera, Inc.); PubMed 24105371 (cited by Natera, Inc. and Labcorp Genetics (formerly Invitae), Labcorp); PubMed 8900236 (cited by Labcorp Genetics (formerly Invitae), Labcorp); PubMed 25404053 (cited by Labcorp Genetics (formerly Invitae), Labcorp).

NM_000260.4(MYO7A):c.6211C>T (p.Gln2071Ter)

Gene: MYO7A (myosin VIIA; plus strand). Cytogenetic location: 11q13.5.
Variant type: single nucleotide variant.
Coding change: c.6211C>T on transcript NM_000260.4 (MANE Select); coding-DNA position 6211, C replaced by T.
Protein change: p.Gln2071Ter; replaces glutamine 2071 with a stop codon.
Molecular consequence: nonsense.
Genome position (GRCh38, 1-based): chr11:77,211,311, C>T. VCF-style: chr11-77211311-C-T. GRCh37 (hg19) VCF-style: chr11-76922356-C-T.
Other names: c.6097C>T, p.Gln2033Ter (NM_001127180.2); c.6064C>T, p.Gln2022Ter (NM_001369365.1); short protein forms Q2071*, Q2022*, Q2033*.
Identifiers: ClinVar variation 402266 (VCV000402266.8), dbSNP rs1060499802, ClinGen allele CA16609578.